The following is an entry in ClinVar:

NM_001382567.1(STIM1):c.1382T>C (p.Met461Thr)

Gene: STIM1 (stromal interaction molecule 1; plus strand). Cytogenetic location: 11p15.4.
Variant type: single nucleotide variant.
Coding change: c.1382T>C on transcript NM_001382567.1 (MANE Select); coding-DNA position 1382, T replaced by C.
Protein change: p.Met461Thr; replaces methionine 461 with threonine.
Molecular consequence: missense variant. On other transcripts: non-coding transcript variant (2).
Genome position (GRCh38, 1-based): chr11:4,083,406, T>C. VCF-style: chr11-4083406-T-C. GRCh37 (hg19) VCF-style: chr11-4104636-T-C.
Other names: c.1160T>C, p.Met387Thr (NM_001382575.1, NM_001382576.1, NM_001382577.1 and 4 more transcripts); c.893T>C, p.Met298Thr (NM_001382580.1, NM_001382581.1); c.1382T>C, p.Met461Thr (NM_003156.4, NM_001277961.3, NM_001277962.2); c.1403T>C, p.Met468Thr (NM_001382568.1); c.1247T>C, p.Met416Thr (NM_001382569.1); c.1154T>C, p.Met385Thr (NM_001382570.1); c.902T>C, p.Met301Thr (NM_001382571.1); short protein forms M461T, M298T, M301T, M385T, M387T, M416T, M468T.
Identifiers: ClinVar variation 530879 (VCV000530879.38), dbSNP rs1444907403, ClinGen allele CA379194345.
Genomic context (GRCh38, chr11:4,083,406, plus strand): 5'-TTGTCAACAACCCTGGCATCCACTCACTGGTGGCTGCCCTCAACATAGACCCCAGCTGGA[T>C]GGGCAGTACACGCCCCAACCCTGCTCACTTCATCATGACTGACGACGTGGATGACATGGA-3'
Protein context (NP_001369496.1, residues 451-471): VAALNIDPSW[Met461Thr]GSTRPNPAHF

ClinVar aggregate classification (germline): Uncertain significance. Review status: criteria provided, multiple submitters, no conflicts (2 of 4 stars). 2 submissions from 2 submitters: Uncertain significance (2). Last evaluated 2022-11-08.

Conditions:
Stormorken syndrome (STRMK). Also called: THROMBOCYTOPATHY, ASPLENIA, AND MIOSIS. Identifiers: Orphanet 3204, MedGen C1861451, MONDO:0008497, OMIM 185070.
Myopathy with tubular aggregates (TAM). Also called: Tubular Aggregate Myopathy. Identifiers: Orphanet 2593, MedGen C0410207, MONDO:0008051.
Combined immunodeficiency due to STIM1 deficiency. Also called: IMMUNODEFICIENCY 10; STIM1 DEFICIENCY. Identifiers: Orphanet 169090, Orphanet 317430, MedGen C2748557, MONDO:0013008, OMIM 612783.
Myopathy, tubular aggregate, 1 (TAM1). Identifiers: MedGen C4011726, MONDO:0024531, OMIM 160565.

Allele frequency attached by ClinVar (database versions not stated): gnomAD exomes below 0.00001; gnomAD 0.00002 and 0.00003; TOPMed 0.00002.
gnomAD v4.1: 8 of 1,614,110 alleles (0.0005%); highest among the groups gnomAD compares: African/African-American, 0.004%; no homozygotes.

Submissions (2):

Labcorp Genetics (formerly Invitae), Labcorp
Classification: Uncertain significance for Myopathy with tubular aggregates; Combined immunodeficiency due to STIM1 deficiency; Stormorken syndrome. Last evaluated: 2022-11-08. Review status: criteria provided, single submitter. Criteria: Invitae Variant Classification Sherloc (09022015). Collection method: clinical testing. Allele origin: germline.
Comment: In summary, the available evidence is currently insufficient to determine the role of this variant in disease. Therefore, it has been classified as a Variant of Uncertain Significance. Advanced modeling of protein sequence and biophysical properties (such as structural, functional, and spatial information, amino acid conservation, physicochemical variation, residue mobility, and thermodynamic stability) performed at Invitae indicates that this missense variant is expected to disrupt STIM1 protein function. ClinVar contains an entry for this variant (Variation ID: 530879). This variant has not been reported in the literature in individuals affected with STIM1-related conditions. This variant is present in population databases (no rsID available, gnomAD 0.004%). This sequence change replaces methionine, which is neutral and non-polar, with threonine, which is neutral and polar, at codon 461 of the STIM1 protein (p.Met461Thr).

CeGaT Center for Human Genetics Tuebingen
Classification: Uncertain significance. Last evaluated: 2022-11-01. Review status: criteria provided, single submitter. Criteria: CeGaT Center For Human Genetics Tuebingen Variant Classification Criteria Version 2. Collection method: clinical testing. Allele origin: germline. Affected: yes. Observed: 1 variant allele.
Comment: STIM1: PM2